The following is an entry in ClinVar:

ClinVar aggregate classification (germline): Uncertain significance. Review status: criteria provided, single submitter (1 of 4 stars). 2 submissions from 1 submitter: Uncertain significance (2). Last evaluated 2023-12-21.

Conditions:
Combined immunodeficiency due to DOCK8 deficiency (HIES2). Also called: HIES autosomal recessive; Hyper-IgE recurrent infection syndrome, autosomal recessive; DOCK8 Deficiency; HYPER-IgE RECURRENT INFECTION SYNDROME 2, AUTOSOMAL RECESSIVE; HYPER-IgE SYNDROME 2, AUTOSOMAL RECESSIVE, WITH RECURRENT INFECTIONS. Identifiers: Orphanet 217390, MedGen C4722305, MONDO:0009478, OMIM 243700.

Submissions (2):

Labcorp Genetics (formerly Invitae), Labcorp
Classification: Uncertain significance for Combined immunodeficiency due to DOCK8 deficiency. Last evaluated: 2023-12-21. Review status: criteria provided, single submitter. Criteria: Invitae Variant Classification Sherloc (09022015). Collection method: clinical testing. Allele origin: unknown.
Comment: This variant results in a copy number gain of the genomic region encompassing exon(s) 47-48 of the DOCK8 gene. This region includes the termination codon of the gene. This copy number gain extends beyond the assayed region for this gene and therefore may encompass additional genes. As the precise location of this event is unknown, it may be in tandem or it may be located elsewhere in the genome. This variant has not been reported in the literature in individuals affected with DOCK8-related conditions. Experimental studies and prediction algorithms are not available or were not evaluated, and the functional significance of this variant is currently unknown. In summary, the available evidence is currently insufficient to determine the role of this variant in disease. Therefore, it has been classified as a Variant of Uncertain Significance.

Labcorp Genetics (formerly Invitae), Labcorp
Classification: Uncertain significance for Combined immunodeficiency due to DOCK8 deficiency. Last evaluated: 2021-03-30. Review status: criteria provided, single submitter. Criteria: Invitae Variant Classification Sherloc (09022015). Collection method: clinical testing. Allele origin: germline.
Comment: This variant results in a copy number gain of the genomic region encompassing exon(s) 47-48 of the DOCK8 gene. The 5' boundary is likely confined to intron 46. The 3' end of this event is unknown as it extends beyond the assayed region for this gene and therefore may encompass additional genes. As the precise location of this event is unknown, it may be in tandem or it may be located elsewhere in the genome. This variant has not been reported in the literature in individuals with DOCK8-related conditions. Experimental studies and prediction algorithms are not available or were not evaluated, and the functional significance of this variant is currently unknown. In summary, the available evidence is currently insufficient to determine the role of this variant in disease. Therefore, it has been classified as a Variant of Uncertain Significance.

NC_000009.11:g.(?_463497)_(745235_?)dup

Genes: KANK1 (KN motif and ankyrin repeat domains 1; plus strand), DOCK8 (dedicator of cytokinesis 8; plus strand). Cytogenetic location: 9p24.3.
Variant type: Duplication.
Identifiers: ClinVar variation 2427726 (VCV002427726.8).